The following is an entry in ClinVar:

NM_205850.3(SLC24A5):c.1294G>T (p.Glu432Ter)

Genes: MYEF2 (myelin expression factor 2; minus strand), SLC24A5 (solute carrier family 24 member 5; plus strand). Cytogenetic location: 15q21.1.
Variant type: single nucleotide variant.
Coding change: c.1294G>T on transcript NM_205850.3 (MANE Select); coding-DNA position 1294, G replaced by T.
Protein change: p.Glu432Ter; replaces glutamic acid 432 with a stop codon.
Molecular consequence: nonsense. On other transcripts: 3 prime UTR variant (2).
Genome position (GRCh38, 1-based): chr15:48,142,142, G>T. VCF-style: chr15-48142142-G-T. GRCh37 (hg19) VCF-style: chr15-48434339-G-T.
Other names: c.*766C>A (NM_001301210.2, NM_016132.5); short protein forms E432*.
Identifiers: ClinVar variation 3657651 (VCV003657651.2).

ClinVar aggregate classification (germline): Pathogenic (1 of 4 stars; one submission).

gnomAD v4.1: 2 of 1,613,872 alleles (0.00012%); highest among the groups gnomAD compares: South Asian, 0.0022%; no homozygotes.

Submission:

Labcorp Genetics (formerly Invitae), Labcorp
Classification: Pathogenic. Last evaluated: 2024-06-24. Review status: criteria provided, single submitter. Criteria: Invitae Variant Classification Sherloc (09022015). Collection method: clinical testing. Allele origin: germline.
Comment: This sequence change creates a premature translational stop signal (p.Glu432*) in the SLC24A5 gene. While this is not anticipated to result in nonsense mediated decay, it is expected to disrupt the last 69 amino acid(s) of the SLC24A5 protein. This variant is not present in population databases (gnomAD no frequency). This variant has not been reported in the literature in individuals affected with SLC24A5-related conditions. This variant disrupts a region of the SLC24A5 protein in which other variant(s) (p.Leu454Phefs*33) have been determined to be pathogenic (PMID: 23364476, 31077556). This suggests that this is a clinically significant region of the protein, and that variants that disrupt it are likely to be disease-causing. For these reasons, this variant has been classified as Pathogenic.

Literature cited by the submitters: PubMed 23364476; PubMed 31077556.